The following is an entry in ClinVar:

ClinVar aggregate classification (germline): Pathogenic/Likely pathogenic. Review status: criteria provided, multiple submitters, no conflicts (2 of 4 stars). 2 submissions from 2 submitters: Pathogenic (1); Likely pathogenic (1). Last evaluated 2023-02-16.

Conditions:
CSPP1-related disorder. Also called: CSPP1-related condition.
Joubert syndrome 21 (JBTS21). Identifiers: MedGen C3810212, MONDO:0014288, OMIM 615636.

Submissions (2):

Blueprint Genetics
Classification: Likely pathogenic for CSPP1-related disorders. Last evaluated: 2023-02-16. Review status: criteria provided, single submitter. Criteria: ACMG Guidelines, 2015. Collection method: clinical testing. Allele origin: germline. Affected: yes. Observed: 2 variant alleles.

Labcorp Genetics (formerly Invitae), Labcorp
Classification: Pathogenic for Joubert syndrome 21. Last evaluated: 2022-06-08. Review status: criteria provided, single submitter. Criteria: Invitae Variant Classification Sherloc (09022015). Collection method: clinical testing. Allele origin: germline.
Comment: For these reasons, this variant has been classified as Pathogenic. This variant has not been reported in the literature in individuals affected with CSPP1-related conditions. This variant is not present in population databases (gnomAD no frequency). This sequence change creates a premature translational stop signal (p.Glu47Serfs*22) in the CSPP1 gene. It is expected to result in an absent or disrupted protein product. Loss-of-function variants in CSPP1 are known to be pathogenic (PMID: 24360807, 24360808).

Literature cited by the submitters: PubMed 24360807 (cited by Labcorp Genetics (formerly Invitae), Labcorp); PubMed 24360808 (cited by Labcorp Genetics (formerly Invitae), Labcorp).

NM_001382391.1(CSPP1):c.30del (p.Glu11fs)

Gene: CSPP1 (centrosome and spindle pole associated protein 1; plus strand). Cytogenetic location: 8q13.1.
Variant type: Deletion.
Coding change: c.30del on transcript NM_001382391.1 (MANE Select); coding-DNA position 30, one base deleted (A; older notation c.30delA).
Protein change: p.Glu11fs; shifts the reading frame from glutamic acid 11.
Molecular consequence: frameshift variant.
Genome position (GRCh38, 1-based): chr8:67,074,282, A deleted; the last of 2 consecutive A bases (chr8:67,074,281-67,074,282); deleting either gives the same sequence. VCF-style (leftmost placement, unchanged base first): chr8-67074280-GA-G. GRCh37 (hg19) VCF-style: chr8-67986515-GA-G.
Other names: c.30del, p.Glu11fs (NM_001363131.2, NM_001363132.2, NM_001363133.2); c.138del, p.Glu47fs (NM_001364869.1, NM_001364870.1); c.138delA, p.Glu47Serfs (NM_024790.7); short protein forms E47fs, E11fs.
Identifiers: ClinVar variation 2155007 (VCV002155007.5), dbSNP rs2488230949, ClinGen allele CA2580078896.